The following is an entry in ClinVar:

NM_001379081.2(FREM1):c.1492C>T (p.Arg498Trp)

Gene: FREM1 (FRAS1 related extracellular matrix 1; minus strand). Cytogenetic location: 9p22.3.
Variant type: single nucleotide variant.
Coding change: c.1492C>T on transcript NM_001379081.2 (MANE Select); coding-DNA position 1492, C replaced by T.
Protein change: p.Arg498Trp; replaces arginine 498 with tryptophan.
Molecular consequence: missense variant. On other transcripts: non-coding transcript variant (2).
Genome position (GRCh38, 1-based): chr9:14,842,562, G>A on the plus strand (C>T on the coding strand, the complement: FREM1 is on the minus strand). VCF-style: chr9-14842562-G-A. GRCh37 (hg19) VCF-style: chr9-14842560-G-A.
Other names: c.1492C>T, p.Arg498Trp (NM_144966.7); short protein forms R498W.
Identifiers: ClinVar variation 793480 (VCV000793480.15), dbSNP rs200642807, ClinGen allele CA4991220.

ClinVar aggregate classification (germline): Benign/Likely benign. Review status: criteria provided, multiple submitters, no conflicts (2 of 4 stars). 4 submissions from 4 submitters: Benign (1); Likely benign (2). 1 of the submissions does not count toward it. Last evaluated 2026-06-01.

Conditions:
Oculotrichoanal syndrome (MOTA). Also called: Manitoba Oculotrichoanal (MOTA) Syndrome; MARLES SYNDROME. Identifiers: Orphanet 2717, MedGen C1855425, MONDO:0009560, OMIM 248450.
FREM1-related disorder. Also called: FREM1-Related Disorders; FREM1-related condition.

Allele frequency attached by ClinVar (database versions not stated): gnomAD 0.00006 and 0.00039; ESP Exome Variant Server 0.00008; TOPMed 0.00014; 1000 Genomes Project 30x 0.00234; 1000 Genomes Project 0.00240.

Submissions (4):

CeGaT Center for Human Genetics Tuebingen
Classification: Likely benign. Last evaluated: 2026-06-01. Review status: criteria provided, single submitter. Criteria: CeGaT Center For Human Genetics Tuebingen Variant Classification Criteria Version 2. Collection method: clinical testing. Allele origin: germline. Affected: yes. Observed: 2 variant alleles.
Comment: FREM1: PM5, BS2

Labcorp Genetics (formerly Invitae), Labcorp
Classification: Benign. Last evaluated: 2025-04-12. Review status: criteria provided, single submitter. Criteria: Invitae Variant Classification Sherloc (09022015). Collection method: clinical testing. Allele origin: germline.

Illumina Laboratory Services, Illumina
Classification: Likely benign for Oculotrichoanal syndrome. Last evaluated: 2018-01-13. Review status: criteria provided, single submitter. Criteria: ICSL Variant Classification Criteria 13 December 2019. Collection method: clinical testing. Allele origin: germline.
Comment: This variant was observed in the ICSL laboratory as part of a predisposition screen in an ostensibly healthy population. It had not been previously curated by ICSL or reported in the Human Gene Mutation Database (HGMD: prior to June 1st, 2018), and was therefore a candidate for classification through an automated scoring system. Utilizing variant allele frequency, disease prevalence and penetrance estimates, and inheritance mode, an automated score was calculated to assess if this variant is too frequent to cause the disease. Based on the score and internal cut-off values, a variant classified as likely benign is not then subjected to further curation. The score for this variant resulted in a classification of likely benign for this disease.

PreventionGenetics, part of Exact Sciences
Classification: Likely benign for FREM1-related condition. Last evaluated: 2022-03-21. Review status: no assertion criteria provided. Collection method: clinical testing. Allele origin: germline. Not counted in ClinVar's aggregate classification.
Comment: This variant is classified as likely benign based on ACMG/AMP sequence variant interpretation guidelines (Richards et al. 2015 PMID: 25741868, with internal and published modifications).